The following is an entry in ClinVar:

ClinVar aggregate classification (germline): Likely benign (1 of 4 stars; one submission).

Conditions:
SHANK3-related disorder. Also called: SHANK3-related condition.

Submission:

PreventionGenetics, part of Exact Sciences
Classification: Likely benign for SHANK3-related condition. Last evaluated: 2023-12-28. Review status: criteria provided, single submitter. Criteria: ACMG Guidelines, 2015. Collection method: clinical testing. Allele origin: germline.
Comment: This variant is classified as likely benign based on ACMG/AMP sequence variant interpretation guidelines (Richards et al. 2015 PMID: 25741868, with internal and published modifications).

NM_001372044.2(SHANK3):c.1188+8G>A

Gene: SHANK3 (SH3 and multiple ankyrin repeat domains 3; plus strand).
Variant type: single nucleotide variant.
Coding change: c.1188+8G>A on transcript NM_001372044.2 (MANE Select); 8 bases into the intron after coding-DNA position 1188, G replaced by A.
Molecular consequence: intron variant.
Other names: c.963+8G>A (NM_033517.1).
Identifiers: ClinVar variation 3052924 (VCV003052924.1), dbSNP rs2521416387.